The following is an entry in ClinVar:

NM_001267550.2(TTN):c.27517A>G (p.Ser9173Gly)

Gene: TTN (titin; minus strand). Cytogenetic location: 2q31.2.
Variant type: single nucleotide variant.
Coding change: c.27517A>G on transcript NM_001267550.2 (MANE Select); coding-DNA position 27517, A replaced by G.
Protein change: p.Ser9173Gly; replaces serine 9173 with glycine.
Molecular consequence: missense variant. On other transcripts: intron variant (3).
Genome position (GRCh38, 1-based): chr2:178,712,405, T>C on the plus strand (A>G on the coding strand, the complement: TTN is on the minus strand). VCF-style: chr2-178712405-T-C. GRCh37 (hg19) VCF-style: chr2-179577132-T-C.
Other names: p.Ser8856Gly; c.26566A>G, p.Ser8856Gly (NM_001256850.1); c.23785A>G, p.Ser7929Gly (NM_133378.4); c.13282+25677A>G (NM_003319.4); c.13858+25677A>G (NM_133437.4); c.13657+25677A>G (NM_133432.3); short protein forms S7929G, S8856G, S9173G.
Identifiers: ClinVar variation 4540750 (VCV004540750.1).

ClinVar aggregate classification (germline): Uncertain significance (1 of 4 stars; one submission).

gnomAD v4.1: 27 of 1,613,858 alleles (0.0017%); highest among the groups gnomAD compares: Non-Finnish European, 0.0022%; no homozygotes.

Submission:

Mayo Clinic Laboratories, Mayo Clinic
Classification: Uncertain significance. Last evaluated: 2025-06-05. Review status: criteria provided, single submitter. Criteria: ACMG Guidelines, 2015. Collection method: clinical testing. Allele origin: germline. Observed: 1 variant allele.
Comment: BP4_strong, PM2_supporting